The following is an entry in ClinVar:

NM_000069.3(CACNA1S):c.4242-7C>T

Gene: CACNA1S (calcium voltage-gated channel subunit alpha1 S; minus strand). Cytogenetic location: 1q32.1.
Variant type: single nucleotide variant.
Coding change: c.4242-7C>T on transcript NM_000069.3 (MANE Select); 7 bases into the intron before coding-DNA position 4242, C replaced by T.
Molecular consequence: intron variant.
Genome position (GRCh38, 1-based): chr1:201,049,106, G>A on the plus strand (C>T on the coding strand, the complement: CACNA1S is on the minus strand). VCF-style: chr1-201049106-G-A. GRCh37 (hg19) VCF-style: chr1-201018234-G-A.
Identifiers: ClinVar variation 2062574 (VCV002062574.6), dbSNP rs772991066, ClinGen allele CA083195.

ClinVar aggregate classification (germline): Likely benign. Review status: criteria provided, multiple submitters, no conflicts (2 of 4 stars). 3 submissions from 3 submitters: Likely benign (3). Last evaluated 2025-02-26.

Conditions:
Malignant hyperthermia, susceptibility to, 5 (MHS5). Also called: CACNA1S-Related Malignant Hyperthermia Susceptibility. Identifiers: Orphanet 423, MedGen C1866077, MONDO:0011163, OMIM 601887.
Hypokalemic periodic paralysis, type 1. Also called: HypoPP; Hypokalemic Periodic Paralysis Type 1 (AD). Identifiers: Orphanet 681, MedGen C3714580, MONDO:0042979, OMIM 170400.

Allele frequency attached by ClinVar (database versions not stated): ExAC 0.00001; gnomAD 0.00001; TOPMed 0.00001.
gnomAD v4.1: 28 of 1,601,812 alleles (0.0017%); highest among the groups gnomAD compares: Non-Finnish European, 0.0024%; no homozygotes.

Submissions (3):

Labcorp Genetics (formerly Invitae), Labcorp
Classification: Likely benign for Hypokalemic periodic paralysis, type 1; Malignant hyperthermia, susceptibility to, 5. Last evaluated: 2025-02-26. Review status: criteria provided, single submitter. Criteria: Invitae Variant Classification Sherloc (09022015). Collection method: clinical testing. Allele origin: germline.

All of Us Research Program, National Institutes of Health
Classification: Likely benign for Malignant hyperthermia, susceptibility to, 5. Last evaluated: 2023-12-13. Review status: criteria provided, single submitter. Criteria: ACMG Guidelines, 2015. Collection method: clinical testing. Allele origin: germline. Inheritance: Autosomal dominant inheritance. Observed: 4 variant alleles, 4 heterozygotes.
Comment: This study involves interpretation of variants in research participants for the purpose of population health screening. Participant phenotype was not available at the time of variant classification. Additional details can be found in publication PMID: 35346344, PMCID: PMC8962531

Color Diagnostics, LLC DBA Color Health
Classification: Likely benign for Malignant hyperthermia, susceptibility to, 5. Last evaluated: 2022-11-08. Review status: criteria provided, single submitter. Criteria: ACMG Guidelines, 2015. Collection method: clinical testing. Allele origin: germline.